The following is an entry in ClinVar:

ClinVar aggregate classification (germline): Uncertain significance. Review status: criteria provided, multiple submitters, no conflicts (2 of 4 stars). 2 submissions from 2 submitters: Uncertain significance (2). Last evaluated 2026-08-17.

Conditions:
Hereditary cancer-predisposing syndrome. Also called: Hereditary Cancer Syndrome; Neoplastic Syndromes, Hereditary; Hereditary neoplastic syndrome; Tumor predisposition. Identifiers: Orphanet 140162, MedGen C0027672, MeSH D009386, MONDO:0015356.

Submissions (2):

Ambry Genetics
Classification: Uncertain significance for Hereditary cancer-predisposing syndrome. Last evaluated: 2026-08-17. Review status: criteria provided, single submitter. Criteria: Ambry Variant Classification Scheme 2023. Collection method: clinical testing. Allele origin: germline.
Comment: The p.E291G variant (also known as c.872A>G), located in coding exon 6 of the FH gene, results from an A to G substitution at nucleotide position 872. The glutamic acid at codon 291 is replaced by glycine, an amino acid with similar properties. This amino acid position is highly conserved in available vertebrate species. In addition, this alteration is predicted to be deleterious by in silico analysis. Based on the available evidence, the clinical significance of this variant remains unclear.

Labcorp Genetics (formerly Invitae), Labcorp
Classification: Uncertain significance. Last evaluated: 2021-11-29. Review status: criteria provided, single submitter. Criteria: Invitae Variant Classification Sherloc (09022015). Collection method: clinical testing. Allele origin: germline.
Comment: This variant is not present in population databases (gnomAD no frequency). This variant has not been reported in the literature in individuals affected with FH-related conditions. Advanced modeling of protein sequence and biophysical properties (such as structural, functional, and spatial information, amino acid conservation, physicochemical variation, residue mobility, and thermodynamic stability) performed at Invitae indicates that this missense variant is expected to disrupt FH protein function. In summary, the available evidence is currently insufficient to determine the role of this variant in disease. Therefore, it has been classified as a Variant of Uncertain Significance. This sequence change replaces glutamic acid, which is acidic and polar, with glycine, which is neutral and non-polar, at codon 291 of the FH protein (p.Glu291Gly).

NM_000143.4(FH):c.872A>G (p.Glu291Gly)

Gene: FH (fumarate hydratase; minus strand). Cytogenetic location: 1q43.
Variant type: single nucleotide variant.
Coding change: c.872A>G on transcript NM_000143.4 (MANE Select); coding-DNA position 872, A replaced by G.
Protein change: p.Glu291Gly; replaces glutamic acid 291 with glycine.
Molecular consequence: missense variant.
Genome position (GRCh38, 1-based): chr1:241,506,035, T>C on the plus strand (A>G on the coding strand, the complement: FH is on the minus strand). VCF-style: chr1-241506035-T-C. GRCh37 (hg19) VCF-style: chr1-241669335-T-C.
Other names: c.872A>G (NM_000143.3); short protein forms E291G.
Identifiers: ClinVar variation 1389451 (VCV001389451.8), dbSNP rs2147917541, ClinGen allele CA345438848.